The following is an entry in ClinVar:

NM_001378120.1(MBD5):c.1570C>T (p.Pro524Ser)

Gene: MBD5 (methyl-CpG binding domain protein 5; plus strand). Cytogenetic location: 2q23.1.
Variant type: single nucleotide variant.
Coding change: c.1570C>T on transcript NM_001378120.1 (MANE Select); coding-DNA position 1570, C replaced by T.
Protein change: p.Pro524Ser; replaces proline 524 with serine.
Molecular consequence: missense variant.
Genome position (GRCh38, 1-based): chr2:148,469,513, C>T. VCF-style: chr2-148469513-C-T. GRCh37 (hg19) VCF-style: chr2-149227082-C-T.
Other names: c.1570C>T, p.Pro524Ser (NM_018328.5); short protein forms P524S.
Identifiers: ClinVar variation 167262 (VCV000167262.15), dbSNP rs727503998, ClinGen allele CA234227.
Genomic context (GRCh38, chr2:148,469,513, plus strand): 5'-ATGCCATCAAGCCCTTCTACCAAGTCCGATGGACATCATCAGTACAAGGATATCCCTAAC[C>T]CATTAATTGCTGGAATAAGTAATGTACTAAATACCCCAAGCAGTGCAGCTTTTCCTACTG-3'
Protein context (NP_001365049.1, residues 514-534): GHHQYKDIPN[Pro524Ser]LIAGISNVLN

ClinVar aggregate classification (germline): Uncertain significance. Review status: criteria provided, multiple submitters, no conflicts (2 of 4 stars). 2 submissions from 2 submitters: Uncertain significance (2). Last evaluated 2025-02-20.

Conditions:
Intellectual developmental disorder, autosomal dominant 1. Also called: MBD5 Haploinsufficiency; Intellectual disability, autosomal dominant 1. Identifiers: Orphanet 228402, MedGen C1969562, MONDO:0007974, OMIM 156200.

Allele frequency attached by ClinVar (database versions not stated): gnomAD below 0.00001 and 0.00002; gnomAD exomes 0.00001.
gnomAD v4.1: 11 of 1,613,624 alleles (0.00068%); highest among the groups gnomAD compares: South Asian, 0.011%; no homozygotes.

Submissions (2):

Labcorp Genetics (formerly Invitae), Labcorp
Classification: Uncertain significance for Intellectual developmental disorder, autosomal dominant 1. Last evaluated: 2025-02-20. Review status: criteria provided, single submitter. Criteria: Invitae Variant Classification Sherloc (09022015). Collection method: clinical testing. Allele origin: germline.
Comment: This sequence change replaces proline, which is neutral and non-polar, with serine, which is neutral and polar, at codon 524 of the MBD5 protein (p.Pro524Ser). This variant is present in population databases (rs727503998, gnomAD 0.007%). This variant has not been reported in the literature in individuals affected with MBD5-related conditions. ClinVar contains an entry for this variant (Variation ID: 167262). Invitae Evidence Modeling of protein sequence and biophysical properties (such as structural, functional, and spatial information, amino acid conservation, physicochemical variation, residue mobility, and thermodynamic stability) indicates that this missense variant is not expected to disrupt MBD5 protein function with a negative predictive value of 80%. In summary, the available evidence is currently insufficient to determine the role of this variant in disease. Therefore, it has been classified as a Variant of Uncertain Significance.

Eurofins Ntd Llc (ga)
Classification: Uncertain significance. Last evaluated: 2014-01-10. Review status: criteria provided, single submitter. Criteria: EGL Classification Definitions 2015. Collection method: clinical testing. Allele origin: germline. Observed: 1 variant allele, 1 heterozygote.